The following is an entry in ClinVar:

ClinVar aggregate classification (germline): Uncertain significance (1 of 4 stars; one submission).

Conditions:
COL11A1-related disorder. Also called: COL11A1-related condition; COL11A1-related disorders.

Submission:

PreventionGenetics, part of Exact Sciences
Classification: Uncertain significance for COL11A1-related condition. Last evaluated: 2025-01-02. Review status: criteria provided, single submitter. Criteria: ACMG Guidelines, 2015. Collection method: clinical testing. Allele origin: germline.
Comment: The COL11A1 c.1942G>C variant is predicted to result in the amino acid substitution p.Ala648Pro. To our knowledge, this variant has not been reported in the literature or in a large population database (gnomAD), indicating this variant is rare. At this time, the clinical significance of this variant is uncertain due to the absence of conclusive functional and genetic evidence.

NM_001854.4(COL11A1):c.1942G>C (p.Ala648Pro)

Gene: COL11A1 (collagen type XI alpha 1 chain; minus strand). Cytogenetic location: 1p21.1.
Variant type: single nucleotide variant.
Coding change: c.1942G>C on transcript NM_001854.4 (MANE Select); coding-DNA position 1942, G replaced by C.
Protein change: p.Ala648Pro; replaces alanine 648 with proline.
Molecular consequence: missense variant. On other transcripts: non-coding transcript variant (1).
Genome position (GRCh38, 1-based): chr1:103,004,446, C>G on the plus strand (G>C on the coding strand, the complement: COL11A1 is on the minus strand). VCF-style: chr1-103004446-C-G. GRCh37 (hg19) VCF-style: chr1-103470002-C-G.
Other names: c.1825G>C, p.Ala609Pro (NM_001190709.2); c.1978G>C, p.Ala660Pro (NM_080629.3); c.1594G>C, p.Ala532Pro (NM_080630.4); short protein forms A648P, A609P, A660P, A532P.
Identifiers: ClinVar variation 4999544 (VCV004999544.1).